The following is an entry in ClinVar:

ClinVar aggregate classification (germline): Uncertain significance (1 of 4 stars; one submission).

Conditions:
Hereditary cancer-predisposing syndrome. Also called: Neoplastic Syndromes, Hereditary; Tumor predisposition; Hereditary neoplastic syndrome; Hereditary Cancer Syndrome. Identifiers: Orphanet 140162, MedGen C0027672, MeSH D009386, MONDO:0015356.

Submission:

Ambry Genetics
Classification: Uncertain significance for Hereditary cancer-predisposing syndrome. Last evaluated: 2022-12-01. Review status: criteria provided, single submitter. Criteria: Ambry Variant Classification Scheme 2023. Collection method: clinical testing. Allele origin: germline.
Comment: The p.A510G variant (also known as c.1529C>G), located in coding exon 9 of the MEN1 gene, results from a C to G substitution at nucleotide position 1529. The alanine at codon 510 is replaced by glycine, an amino acid with similar properties. This amino acid position is conserved. In addition, this alteration is predicted to be tolerated by in silico analysis. Since supporting evidence is limited at this time, the clinical significance of this alteration remains unclear.

NM_001370259.2(MEN1):c.1529C>G (p.Ala510Gly)

Gene: MEN1 (menin 1; minus strand). Cytogenetic location: 11q13.1.
Variant type: single nucleotide variant.
Coding change: c.1529C>G on transcript NM_001370259.2 (MANE Select); coding-DNA position 1529, C replaced by G.
Protein change: p.Ala510Gly; replaces alanine 510 with glycine.
Molecular consequence: missense variant. On other transcripts: non-coding transcript variant (4).
Genome position (GRCh38, 1-based): chr11:64,804,638, G>C on the plus strand (C>G on the coding strand, the complement: MEN1 is on the minus strand). VCF-style: chr11-64804638-G-C. GRCh37 (hg19) VCF-style: chr11-64572110-G-C.
Other names: c.1655C>G, p.Ala552Gly (NM_001407142.1, NM_001407143.1, NM_001407144.1 and 1 more transcripts); c.1544C>G, p.Ala515Gly (NM_001407145.1, NM_130800.3, NM_130801.3 and 4 more transcripts); c.1529C>G, p.Ala510Gly (NM_001407146.1, NM_001407147.1, NM_130799.3 and 2 more transcripts); c.1424C>G, p.Ala475Gly (NM_001407148.1, NM_001407149.1, NM_001370262.2 and 1 more transcripts); c.1670C>G, p.Ala557Gly (NM_001407150.1); c.1550C>G, p.Ala517Gly (NM_001407151.1); c.1364C>G, p.Ala455Gly (NM_001407152.1); short protein forms A510G, A515G, A552G, A475G, A455G, A517G, A557G.
Identifiers: ClinVar variation 2450215 (VCV002450215.2), dbSNP rs1356056436, ClinGen allele CA381178656.
Genomic context (GRCh38, chr11:64,804,638, plus strand): 5'-TCAGGGCCTCGGGCTGTGCCAGCGACAGTCCCAGGAGGCTTCCGGGGGGGTCCTGACACT[G>C]CACCCTGGCCGGTGCCCAGGCCCTTGTCCAGTGCTGGCTTCTTGGGCGGCGGGGGCTCCT-3'
Protein context (NP_001357188.2, residues 500-520): LDKGLGTGQG[Ala510Gly]VSGPPRKPPG